The following is an entry in ClinVar:

ClinVar aggregate classification (germline): Uncertain significance (1 of 4 stars; one submission).

Conditions:
Predisposition to invasive fungal disease due to CARD9 deficiency (IMD103). Also called: IMMUNODEFICIENCY 103, SUSCEPTIBILITY TO FUNGAL INFECTIONS; Candidiasis, familial, 2, autosomal recessive; CARD9 IMMUNODEFICIENCY. Identifiers: Orphanet 457088, MedGen C1859353, MONDO:0008905, OMIM 212050.

Submission:

Labcorp Genetics (formerly Invitae), Labcorp
Classification: Uncertain significance for Predisposition to invasive fungal disease due to CARD9 deficiency. Last evaluated: 2021-02-01. Review status: criteria provided, single submitter. Criteria: Invitae Variant Classification Sherloc (09022015). Collection method: clinical testing. Allele origin: germline.
Comment: In summary, the available evidence is currently insufficient to determine the role of this variant in disease. Therefore, it has been classified as a Variant of Uncertain Significance. Algorithms developed to predict the effect of missense changes on protein structure and function are either unavailable or do not agree on the potential impact of this missense change (SIFT: "Deleterious"; PolyPhen-2: "Possibly Damaging"; Align-GVGD: "Class C15"). This variant has not been reported in the literature in individuals with CARD9-related conditions. This variant is not present in population databases (ExAC no frequency). This sequence change replaces isoleucine with phenylalanine at codon 144 of the CARD9 protein (p.Ile144Phe). The isoleucine residue is highly conserved and there is a small physicochemical difference between isoleucine and phenylalanine.

NM_052813.5(CARD9):c.430A>T (p.Ile144Phe)

Gene: CARD9 (caspase recruitment domain family member 9; minus strand). Cytogenetic location: 9q34.3.
Variant type: single nucleotide variant.
Coding change: c.430A>T on transcript NM_052813.5 (MANE Select); coding-DNA position 430, A replaced by T.
Protein change: p.Ile144Phe; replaces isoleucine 144 with phenylalanine.
Molecular consequence: missense variant.
Genome position (GRCh38, 1-based): chr9:136,371,038, T>A on the plus strand (A>T on the coding strand, the complement: CARD9 is on the minus strand). VCF-style: chr9-136371038-T-A. GRCh37 (hg19) VCF-style: chr9-139265490-T-A.
Other names: c.430A>T, p.Ile144Phe (NM_052814.4); short protein forms I144F.
Identifiers: ClinVar variation 1506298 (VCV001506298.8), dbSNP rs977007616, ClinGen allele CA375545484.